The following is an entry in ClinVar:

NM_182972.3(IRF2BP2):c.1037G>A (p.Gly346Glu)

Genes: IRF2BP2 (interferon regulatory factor 2 binding protein 2; minus strand), LOC129932810 (ATAC-STARR-seq lymphoblastoid active region 2760; plus strand). Cytogenetic location: 1q42.3.
Variant type: single nucleotide variant.
Coding change: c.1037G>A on transcript NM_182972.3 (MANE Select); coding-DNA position 1037, G replaced by A.
Protein change: p.Gly346Glu; replaces glycine 346 with glutamic acid.
Molecular consequence: missense variant. On other transcripts: intron variant (1).
Genome position (GRCh38, 1-based): chr1:234,608,458, C>T on the plus strand (G>A on the coding strand, the complement: IRF2BP2 is on the minus strand). VCF-style: chr1-234608458-C-T. GRCh37 (hg19) VCF-style: chr1-234744204-C-T.
Other names: c.1037G>A (NM_182972.2); c.1000+37G>A (NM_001077397.1); short protein forms G346E.
Identifiers: ClinVar variation 1402158 (VCV001402158.8), dbSNP rs551340513, ClinGen allele CA39545926.

ClinVar aggregate classification (germline): Uncertain significance. Review status: criteria provided, multiple submitters, no conflicts (2 of 4 stars). 2 submissions from 2 submitters: Uncertain significance (2). Last evaluated 2025-01-17.

Conditions:
IRF2BP2-related disorder. Also called: IRF2BP2-related condition.

Allele frequency attached by ClinVar (database versions not stated): gnomAD 0.00001; TOPMed 0.00001.
gnomAD v4.1: 3 of 1,579,688 alleles (0.00019%); highest among the groups gnomAD compares: Non-Finnish European, 0.000086%; no homozygotes.

Submissions (2):

PreventionGenetics, part of Exact Sciences
Classification: Uncertain significance for IRF2BP2-related condition. Last evaluated: 2025-01-17. Review status: criteria provided, single submitter. Criteria: ACMG Guidelines, 2015. Collection method: clinical testing. Allele origin: germline.
Comment: The IRF2BP2 c.1037G>A variant is predicted to result in the amino acid substitution p.Gly346Glu. To our knowledge, this variant has not been reported in the literature or in a large population database (gnomAD), indicating this variant is rare. At this time, the clinical significance of this variant is uncertain due to the absence of conclusive functional and genetic evidence.

Labcorp Genetics (formerly Invitae), Labcorp
Classification: Uncertain significance. Last evaluated: 2021-10-24. Review status: criteria provided, single submitter. Criteria: Invitae Variant Classification Sherloc (09022015). Collection method: clinical testing. Allele origin: germline.
Comment: In summary, the available evidence is currently insufficient to determine the role of this variant in disease. Therefore, it has been classified as a Variant of Uncertain Significance. Algorithms developed to predict the effect of missense changes on protein structure and function are either unavailable or do not agree on the potential impact of this missense change (SIFT: "Tolerated"; PolyPhen-2: "Probably Damaging"; Align-GVGD: "Class C0"). This variant has not been reported in the literature in individuals affected with IRF2BP2-related conditions. This variant is not present in population databases (ExAC no frequency). This sequence change replaces glycine with glutamic acid at codon 346 of the IRF2BP2 protein (p.Gly346Glu). The glycine residue is moderately conserved and there is a moderate physicochemical difference between glycine and glutamic acid.